The following is an entry in ClinVar:

ClinVar aggregate classification (germline): Uncertain significance. Review status: criteria provided, multiple submitters, no conflicts (2 of 4 stars). 2 submissions from 2 submitters: Uncertain significance (2). Last evaluated 2021-11-15.

Conditions:
Cardiovascular phenotype. Identifiers: MedGen CN230736.

Allele frequency attached by ClinVar (database versions not stated): TOPMed 0.00002.
gnomAD v4.1: 21 of 1,549,042 alleles (0.0014%); highest among the groups gnomAD compares: Admixed American, 0.012%; no homozygotes.

Submissions (2):

Ambry Genetics
Classification: Uncertain significance for Cardiovascular phenotype. Last evaluated: 2021-11-15. Review status: criteria provided, single submitter. Criteria: Ambry Variant Classification Scheme 2023. Collection method: clinical testing. Allele origin: germline.

GeneDx
Classification: Uncertain significance. Last evaluated: 2017-01-04. Review status: criteria provided, single submitter. Criteria: GeneDx Variant Classification (06012015). Collection method: clinical testing. Allele origin: germline. Affected: yes.
Comment: A variant of uncertain significance has been identified in the ZNF469 gene. The A3054V variant has not been published as a pathogenic variant, nor has it been reported as a benign variant to our knowledge. Data from control individuals was not available to assess whether A3054V may be a common benign variant in the general population. However, the A3054V variant is a conservative amino acid substitution, which is not likely to impact secondary protein structure as these residues share similar properties. This substitution occurs at a position that is not conserved across species and where Valine is the wild type in several species. Finally, in silico analysis suggests that this variant likely does not alter the protein structure/function. Therefore, based on the currently available information, it is unclear whether this variant is pathogenic or rare benign.

NM_001367624.2(ZNF469):c.9245C>T (p.Ala3082Val)

Gene: ZNF469 (zinc finger protein 469; plus strand). Cytogenetic location: 16q24.2.
Variant type: single nucleotide variant.
Coding change: c.9245C>T on transcript NM_001367624.2 (MANE Select); coding-DNA position 9245, C replaced by T.
Protein change: p.Ala3082Val; replaces alanine 3082 with valine.
Molecular consequence: missense variant.
Genome position (GRCh38, 1-based): chr16:88,436,715, C>T. VCF-style: chr16-88436715-C-T. GRCh37 (hg19) VCF-style: chr16-88503123-C-T.
Other names: NM_001127464.1:c.9161C>T; short protein forms A3082V.
Identifiers: ClinVar variation 392330 (VCV000392330.3), dbSNP rs1015869921, ClinGen allele CA16607520.